The following is an entry in ClinVar:

ClinVar aggregate classification (germline): Pathogenic (1 of 4 stars; one submission).

Submission:

GeneDx
Classification: Pathogenic. Last evaluated: 2026-03-16. Review status: criteria provided, single submitter. Criteria: GeneDx Variant Classification Process June 2021. Collection method: clinical testing. Allele origin: germline.
Comment: Previously reported in a proband with bilateral hypoplastic kidney, corneal opacity, and iris adhesion (PMID: 30937553); Frameshift variant predicted to result in protein truncation or nonsense mediated decay in a gene for which loss of function is a known mechanism of disease; Not observed at significant frequency in large population cohorts (gnomAD); This variant is associated with the following publications: (PMID: 30937553)

NM_001429.4(EP300):c.4296_4297del (p.Gly1433fs)

Gene: EP300 (EP300 lysine acetyltransferase; plus strand). Cytogenetic location: 22q13.2.
Variant type: Deletion.
Coding change: c.4296_4297del on transcript NM_001429.4 (MANE Select); coding-DNA positions 4296 to 4297, 2 bases deleted (AG; older notation c.4296_4297delAG).
Protein change: p.Gly1433fs; shifts the reading frame from glycine 1433.
Molecular consequence: frameshift variant.
Genome position (GRCh38, 1-based): chr22:41,170,415-41,170,416, AG deleted. VCF-style (leftmost placement, unchanged base first): chr22-41170414-CAG-C. GRCh37 (hg19) VCF-style: chr22-41566418-CAG-C.
Other names: c.4218_4219del, p.Gly1407fs (NM_001362843.2); short protein forms G1407fs, G1433fs.
Identifiers: ClinVar variation 4975374 (VCV004975374.1).